The following is an entry in ClinVar:

ClinVar aggregate classification (germline): Pathogenic (1 of 4 stars; one submission).

Submission:

Labcorp Genetics (formerly Invitae), Labcorp
Classification: Pathogenic. Last evaluated: 2025-12-23. Review status: criteria provided, single submitter. Criteria: Invitae Variant Classification Sherloc (09022015). Collection method: clinical testing. Allele origin: germline.
Comment: This sequence change creates a premature translational stop signal (p.Gly372Valfs*28) in the COL4A3 gene. It is expected to result in an absent or disrupted protein product. Loss-of-function variants in COL4A3 are known to be pathogenic (PMID: 8956999, 24854265, 26809805, 27281700). This variant is not present in population databases (gnomAD no frequency). This variant has not been reported in the literature in individuals affected with COL4A3-related conditions. ClinVar contains an entry for this variant (Variation ID: 863616). For these reasons, this variant has been classified as Pathogenic.

Literature cited by the submitters: PubMed 8956999; PubMed 24854265; PubMed 26809805; PubMed 27281700.

NM_000091.5(COL4A3):c.1113del (p.Gly372fs)

Genes: MFF-DT (MFF divergent transcript; minus strand), COL4A3 (collagen type IV alpha 3 chain; plus strand). Cytogenetic location: 2q36.3.
Variant type: Deletion.
Coding change: c.1113del on transcript NM_000091.5 (MANE Select); coding-DNA position 1113, one base deleted (A; older notation c.1113delA).
Protein change: p.Gly372fs; shifts the reading frame from glycine 372.
Molecular consequence: frameshift variant.
Genome position (GRCh38, 1-based): chr2:227,259,876, A deleted; the last of 2 consecutive A bases (chr2:227,259,875-227,259,876); deleting either gives the same sequence. VCF-style (leftmost placement, unchanged base first): chr2-227259874-CA-C. GRCh37 (hg19) VCF-style: chr2-228124590-CA-C.
Other names: short protein forms G372fs.
Identifiers: ClinVar variation 863616 (VCV000863616.7), dbSNP rs2070436374, ClinGen allele CA916080307.